The following is an entry in ClinVar:

NM_002996.6(CX3CL1):c.537G>T (p.Gly179=)

Gene: CX3CL1 (C-X3-C motif chemokine ligand 1; plus strand). Cytogenetic location: 16q21.
Variant type: single nucleotide variant.
Coding change: c.537G>T on transcript NM_002996.6 (MANE Select); coding-DNA position 537, G replaced by T.
Protein change: p.Gly179=; no amino-acid change (glycine 179 retained).
Molecular consequence: synonymous variant.
Genome position (GRCh38, 1-based): chr16:57,382,375, G>T. VCF-style: chr16-57382375-G-T. GRCh37 (hg19) VCF-style: chr16-57416287-G-T.
Other names: c.282G>T, p.Gly94= (NM_001304392.3).
Identifiers: ClinVar variation 2646556 (VCV002646556.24), dbSNP rs780537893, ClinGen allele CA8075482.

ClinVar aggregate classification (germline): Likely benign (1 of 4 stars; one submission).

Allele frequency attached by ClinVar (database versions not stated): gnomAD 0.00001; TOPMed 0.00001; ExAC 0.00003.

Submission:

CeGaT Center for Human Genetics Tuebingen
Classification: Likely benign. Last evaluated: 2023-04-01. Review status: criteria provided, single submitter. Criteria: CeGaT Center For Human Genetics Tuebingen Variant Classification Criteria Version 2. Collection method: clinical testing. Allele origin: germline. Affected: yes. Observed: 1 variant allele.
Comment: CX3CL1: BP4, BP7